The following is an entry in ClinVar:

ClinVar aggregate classification (germline): Uncertain significance (1 of 4 stars; one submission).

Conditions:
SEMA3B-related disorder. Also called: SEMA3B-related condition.

gnomAD v4.1: 1 of 1,566,054 alleles (0.000064%); no homozygotes.

Submission:

PreventionGenetics, part of Exact Sciences
Classification: Uncertain significance for SEMA3B-related condition. Last evaluated: 2025-07-31. Review status: criteria provided, single submitter. Criteria: ACMG Guidelines, 2015. Collection method: clinical testing. Allele origin: germline.
Comment: The SEMA3B c.1512G>T variant is predicted to result in the amino acid substitution p.Gln504His. To our knowledge, this variant has not been reported in the literature or in a large population database (gnomAD), indicating this variant is rare. At this time, the clinical significance of this variant is uncertain due to the absence of conclusive functional and genetic evidence.

NM_001290060.2(SEMA3B):c.1497G>T (p.Gln499His)

Gene: SEMA3B (semaphorin 3B; plus strand). Cytogenetic location: 3p21.31.
Variant type: single nucleotide variant.
Coding change: c.1497G>T on transcript NM_001290060.2 (MANE Select); coding-DNA position 1497, G replaced by T.
Protein change: p.Gln499His; replaces glutamine 499 with histidine.
Molecular consequence: missense variant.
Genome position (GRCh38, 1-based): chr3:50,275,307, G>T. VCF-style: chr3-50275307-G-T. GRCh37 (hg19) VCF-style: chr3-50312738-G-T.
Other names: c.1494G>T, p.Gln498His (NM_001005914.3, NM_001435957.1, NM_001435958.1); c.1512G>T, p.Gln504His (NM_001290061.1); c.468G>T, p.Gln156His (NM_001290062.2, NM_001290063.2); c.1497G>T, p.Gln499His (NM_001435956.1, NM_004636.4); short protein forms Q498H, Q156H, Q499H, Q504H.
Identifiers: ClinVar variation 4997937 (VCV004997937.1).